The following is an entry in ClinVar:

ClinVar aggregate classification (germline): Pathogenic (1 of 4 stars; one submission).

Conditions:
Pigmentary pallidal degeneration (NBIA1). Also called: Neuroaxonal dystrophy, late infantile; Hallervorden-Spatz disease; PKAN NEUROAXONAL DYSTROPHY, JUVENILE-ONSET; HARP SYNDROME; Pantothenate Kinase-Associated Neurodegeneration; Neurodegeneration with brain iron accumulation 1. Identifiers: Orphanet 157850, MedGen C0018523, MONDO:0009319, OMIM 234200.

Submission:

Women's Health and Genetics/Laboratory Corporation of America, LabCorp
Classification: Pathogenic for Pigmentary pallidal degeneration. Last evaluated: 2024-10-11. Review status: criteria provided, single submitter. Criteria: LabCorp Variant Classification Summary - May 2015. Collection method: clinical testing. Allele origin: germline.
Comment: Variant summary: PANK2 c.414_430dup17 (p.Val144GlyfsX67) results in a premature termination codon, predicted to cause a truncation of the encoded protein or absence of the protein due to nonsense mediated decay, which are commonly known mechanisms for disease. The frequency data for this variant in gnomAD is considered unreliable, as metrics indicate poor data quality at this position. To our knowledge, no occurrence of c.414_430dup17 in individuals affected with Pantothenate Kinase-Associated Neurodegeneration and no experimental evidence demonstrating its impact on protein function have been reported. No submitters have cited clinical-significance assessments for this variant to ClinVar. Based on the evidence outlined above, the variant was classified as pathogenic.

NM_001386393.1(PANK2):c.84_100dup (p.Val34fs)

Genes: PANK2 (pantothenate kinase 2; plus strand), LOC130065345 (ATAC-STARR-seq lymphoblastoid silent region 12635; plus strand). Cytogenetic location: 20p13.
Variant type: Duplication.
Coding change: c.84_100dup on transcript NM_001386393.1 (MANE Select); coding-DNA positions 84 to 100, 17 bases duplicated (GGCTTCCGCCACCTCCG).
Protein change: p.Val34fs; shifts the reading frame from valine 34.
Molecular consequence: frameshift variant. On other transcripts: 5 prime UTR variant (1), non-coding transcript variant (1), intron variant (1).
Genome position (GRCh38, 1-based): chr20:3,889,514-3,889,530, GGCTTCCGCCACCTCCG duplicated; duplicating any 17 consecutive bases within chr20:3,889,513-3,889,530 gives the same sequence; the c. name uses the placement nearest the transcript's 3' end. VCF-style (leftmost placement, unchanged base first): chr20-3889512-A-AGGGCTTCCGCCACCTCC. GRCh37 (hg19) VCF-style: chr20-3870159-A-AGGGCTTCCGCCACCTCC.
Other names: c.-628_-612dup (NM_001324191.2); c.414_430dup, p.Val144fs (NM_001324192.1, NM_153638.4); c.-246+610_-246+626dup (NM_024960.6); c.414_430dup17 (NM_153638.4); short protein forms V144fs, V34fs.
Identifiers: ClinVar variation 3384757 (VCV003384757.1).